The following is an entry in ClinVar:

ClinVar aggregate classification (germline): Uncertain significance (1 of 4 stars; one submission).

Conditions:
Hereditary nonpolyposis colorectal neoplasms. Identifiers: MedGen C0009405, MeSH D003123.

Submission:

Labcorp Genetics (formerly Invitae), Labcorp
Classification: Uncertain significance for Hereditary nonpolyposis colorectal neoplasms. Last evaluated: 2019-09-06. Review status: criteria provided, single submitter. Criteria: Invitae Variant Classification Sherloc (09022015). Collection method: clinical testing. Allele origin: germline.
Comment: This sequence change replaces glutamic acid with valine at codon 181 of the MSH6 protein (p.Glu181Val). The glutamic acid residue is weakly conserved and there is a moderate physicochemical difference between glutamic acid and valine. This variant is not present in population databases (ExAC no frequency). This variant has not been reported in the literature in individuals with MSH6-related conditions. Algorithms developed to predict the effect of missense changes on protein structure and function are either unavailable or do not agree on the potential impact of this missense change (SIFT: "Tolerated"; PolyPhen-2: "Possibly Damaging"; Align-GVGD: "Class C0"). In summary, the available evidence is currently insufficient to determine the role of this variant in disease. Therefore, it has been classified as a Variant of Uncertain Significance.

NM_000179.3(MSH6):c.542A>T (p.Glu181Val)

Gene: MSH6 (mutS homolog 6; plus strand). Cytogenetic location: 2p16.3.
Variant type: single nucleotide variant.
Coding change: c.542A>T on transcript NM_000179.3 (MANE Select); coding-DNA position 542, A replaced by T.
Protein change: p.Glu181Val; replaces glutamic acid 181 with valine.
Molecular consequence: missense variant. On other transcripts: 5 prime UTR variant (1), intron variant (2).
Genome position (GRCh38, 1-based): chr2:47,795,978, A>T. VCF-style: chr2-47795978-A-T. GRCh37 (hg19) VCF-style: chr2-48023117-A-T.
Other names: c.-361A>T (NM_001281494.2); c.-279-2633A>T (NM_001281493.2); c.238-2633A>T (NM_001281492.2); short protein forms E181V.
Identifiers: ClinVar variation 933587 (VCV000933587.10), dbSNP rs1558656620, ClinGen allele CA346738728.
Genomic context (GRCh38, chr2:47,795,978, plus strand): 5'-AGGGAGGTCATTTTTACAGTGCAAAGCCTGAAATACTGAGAGCAATGCAACGTGCAGATG[A>T]AGCCTTAAATAAAGACAAGATTAAGAGGCTTGAATTGGCAGTTTGTGATGAGCCCTCAGA-3'
Protein context (NP_000170.1, residues 171-191): EILRAMQRAD[Glu181Val]ALNKDKIKRL